The following is an entry in ClinVar:

ClinVar aggregate classification (germline): Benign/Likely benign. Review status: criteria provided, multiple submitters, no conflicts (2 of 4 stars). 9 submissions from 9 submitters: Benign (3); Likely benign (5). 1 of the submissions does not count toward it. Last evaluated 2026-09-01.

Conditions:
Spinocerebellar ataxia 27B, late-onset (SCA27B). Also called: GAA-FGF14-Related Ataxia. Identifiers: Orphanet 675216, MedGen C5774278, MONDO:0859340, OMIM 620174.
Spinocerebellar ataxia 27A. Also called: VESTIBULOCEREBELLAR DISORDER WITH PREDOMINANT OCULAR SIGNS. Identifiers: MedGen CN031884, MONDO:0008654, OMIM 193003.
Spinocerebellar ataxia type 27 (SCA27). Identifiers: Orphanet 98764, MedGen C1836383, MONDO:0012247.
FGF14-related disorder. Also called: FGF14-related condition.

Allele frequency attached by ClinVar (database versions not stated): 1000 Genomes Project 30x 0.00016; 1000 Genomes Project 0.00020; TOPMed 0.00069; ESP Exome Variant Server 0.00108; gnomAD exomes 0.00113; ExAC 0.00156; gnomAD 0.00191.
gnomAD v4.1: 1,445 of 1,613,804 alleles (0.09%); highest among the groups gnomAD compares: Non-Finnish European, 0.1%; 6 homozygotes.

Submissions (9):

CeGaT Center for Human Genetics Tuebingen
Classification: Likely benign. Last evaluated: 2026-09-01. Review status: criteria provided, single submitter. Criteria: CeGaT Center For Human Genetics Tuebingen Variant Classification Criteria Version 2. Collection method: clinical testing. Allele origin: germline. Affected: yes. Observed: 11 variant alleles.
Comment: FGF14: BP4, BS1

Labcorp Genetics (formerly Invitae), Labcorp
Classification: Likely benign. Last evaluated: 2026-02-01. Review status: criteria provided, single submitter. Criteria: Invitae Variant Classification Sherloc (09022015). Collection method: clinical testing. Allele origin: germline.

Athena Diagnostics
Classification: Benign. Last evaluated: 2025-08-22. Review status: criteria provided, single submitter. Criteria: Athena Diagnostics Criteria. Collection method: clinical testing. Allele origin: unknown.
Comment: The frequency of this variant in the general population is higher than would generally be expected for pathogenic variants in this gene. This variant has been seen where an alternate explanation for disease was also identified.

Blueprint Genetics
Classification: Likely benign. Last evaluated: 2024-11-14. Review status: criteria provided, single submitter. Criteria: ACMG Guidelines, 2015. Collection method: clinical testing. Allele origin: germline.

Department of Pathology and Laboratory Medicine, Sinai Health System
Classification: Likely benign for Spinocerebellar ataxia 27A; Spinocerebellar ataxia 27B, late-onset. Last evaluated: 2021-07-30. Review status: criteria provided, single submitter. Criteria: ACMG Guidelines, 2015. Collection method: research. Allele origin: germline.

Mayo Clinic Laboratories, Mayo Clinic
Classification: Benign. Last evaluated: 2020-11-25. Review status: criteria provided, single submitter. Criteria: ACMG Guidelines, 2015. Collection method: clinical testing. Allele origin: germline. Observed: 4 variant alleles.

Illumina Laboratory Services, Illumina
Classification: Benign for Spinocerebellar ataxia 27A. Last evaluated: 2018-01-12. Review status: criteria provided, single submitter. Criteria: ICSL Variant Classification Criteria 13 December 2019. Collection method: clinical testing. Allele origin: germline.
Comment: This variant was observed in the ICSL laboratory as part of a predisposition screen in an ostensibly healthy population. It had not been previously curated by ICSL or reported in the Human Gene Mutation Database (HGMD: prior to June 1st, 2018), and was therefore a candidate for classification through an automated scoring system. Utilizing variant allele frequency, disease prevalence and penetrance estimates, and inheritance mode, an automated score was calculated to assess if this variant is too frequent to cause the disease. Based on the score and internal cut-off values, a variant classified as benign is not then subjected to further curation. The score for this variant resulted in a classification of benign for this disease.

GeneDx
Classification: Likely benign. Last evaluated: 2015-03-03. Review status: criteria provided, single submitter. Criteria: GeneDx Variant Classification Process June 2021. Collection method: clinical testing. Allele origin: germline. Affected: yes.

PreventionGenetics, part of Exact Sciences
Classification: Likely benign for FGF14-related condition. Last evaluated: 2020-12-14. Review status: no assertion criteria provided. Collection method: clinical testing. Allele origin: germline. Not counted in ClinVar's aggregate classification.
Comment: This variant is classified as likely benign based on ACMG/AMP sequence variant interpretation guidelines (Richards et al. 2015 PMID: 25741868, with internal and published modifications).

Literature cited by the submitters: PubMed 15470364 (cited by Athena Diagnostics).

NM_004115.4(FGF14):c.124G>T (p.Gly42Cys)

Gene: FGF14 (fibroblast growth factor 14; minus strand). Cytogenetic location: 13q33.1.
Variant type: single nucleotide variant.
Coding change: c.124G>T on transcript NM_004115.4 (MANE Select); coding-DNA position 124, G replaced by T.
Protein change: p.Gly42Cys; replaces glycine 42 with cysteine.
Molecular consequence: missense variant. On other transcripts: intron variant (21).
Genome position (GRCh38, 1-based): chr13:101,916,522, C>A on the plus strand (G>T on the coding strand, the complement: FGF14 is on the minus strand). VCF-style: chr13-101916522-C-A. GRCh37 (hg19) VCF-style: chr13-102568872-C-A.
Other names: c.53-41226G>T (NM_001321947.2); c.92-41226G>T (NM_001379342.1, NM_001321948.2, NM_001321945.2); c.-59-41226G>T (NM_001321946.2, NM_001321949.1, NM_001321943.1 and 4 more transcripts); c.14-41226G>T (NM_001321938.2, NM_001321940.1, NM_001321933.1); c.209-47694G>T (NM_001321939.2); c.209-41226G>T (NM_175929.3, NM_001321937.2); c.8-41226G>T (NM_001321941.2); c.5-41226G>T (NM_001321944.1, NM_001321936.1, NM_001321932.1); short protein forms G42C.
Identifiers: ClinVar variation 310902 (VCV000310902.50), dbSNP rs141304687, ClinGen allele CA7037275.